The following is an entry in ClinVar:

ClinVar aggregate classification (germline): Conflicting classifications of pathogenicity. Review status: criteria provided, conflicting classifications (1 of 4 stars). 2 submissions from 2 submitters: Uncertain significance (1); Likely benign (1). Last evaluated 2023-03-31.

Conditions:
Cardiomyopathy (CMYO). Also called: Cardiomyopathies. Identifiers: Orphanet 167848, MedGen C0878544, MONDO:0004994, HP:0001638. Inheritance: Various modes of inheritance.

Allele frequency attached by ClinVar (database versions not stated): gnomAD 0.00003.
gnomAD v4.1: 6 of 1,613,654 alleles (0.00037%); highest among the groups gnomAD compares: African/African-American, 0.008%; no homozygotes.

Submissions (2):

CHEO Genetics Diagnostic Laboratory, Children's Hospital of Eastern Ontario
Classification: Likely benign for Cardiomyopathy. Last evaluated: 2023-03-31. Review status: criteria provided, single submitter. Criteria: ACMG Guidelines, 2015. Collection method: clinical testing. Allele origin: germline.

GeneDx
Classification: Uncertain significance. Last evaluated: 2023-03-30. Review status: criteria provided, single submitter. Criteria: GeneDx Variant Classification Process June 2021. Collection method: clinical testing. Allele origin: germline. Affected: yes.
Comment: Not observed at significant frequency in large population cohorts (gnomAD); Missense variant in a gene in which most reported pathogenic variants are truncating/loss of function; Has not been previously published as pathogenic or benign to our knowledge

NM_001267550.2(TTN):c.99661A>G (p.Ile33221Val)

Genes: TTN (titin; minus strand), TTN-AS1 (TTN antisense RNA 1; plus strand), LOC126806420 (BRD4-independent group 4 enhancer GRCh37_chr2:179401104-179402303; plus strand). Cytogenetic location: 2q31.2.
Variant type: single nucleotide variant.
Coding change: c.99661A>G on transcript NM_001267550.2 (MANE Select); coding-DNA position 99661, A replaced by G.
Protein change: p.Ile33221Val; replaces isoleucine 33221 with valine.
Molecular consequence: missense variant. On other transcripts: non-coding transcript variant (1).
Genome position (GRCh38, 1-based): chr2:178,537,546, T>C on the plus strand (A>G on the coding strand, the complement: TTN is on the minus strand). VCF-style: chr2-178537546-T-C. GRCh37 (hg19) VCF-style: chr2-179402273-T-C.
Other names: c.94738A>G, p.Ile31580Val (NM_001256850.1); c.72466A>G, p.Ile24156Val (NM_003319.4); c.91957A>G, p.Ile30653Val (NM_133378.4); c.72841A>G, p.Ile24281Val (NM_133432.3); c.73042A>G, p.Ile24348Val (NM_133437.4); short protein forms I24156V, I24281V, I24348V, I30653V, I31580V, I33221V.
Identifiers: ClinVar variation 2581847 (VCV002581847.2), dbSNP rs938263270, ClinGen allele CA60961649.